The following is an entry in ClinVar:

ClinVar aggregate classification (germline): Uncertain significance (1 of 4 stars; one submission).

gnomAD v4.1: 3 of 1,613,942 alleles (0.00019%); highest among the groups gnomAD compares: Admixed American, 0.0033%; no homozygotes.

Submission:

GeneDx
Classification: Uncertain significance. Last evaluated: 2025-07-23. Review status: criteria provided, single submitter. Criteria: GeneDx Variant Classification Process June 2021. Collection method: clinical testing. Allele origin: germline. Affected: yes.
Comment: In silico analysis supports that this missense variant has a deleterious effect on protein structure/function; Has not been previously published as pathogenic or benign to our knowledge

NM_020987.5(ANK3):c.3611C>T (p.Thr1204Ile)

Gene: ANK3 (ankyrin 3; minus strand). Cytogenetic location: 10q21.2.
Variant type: single nucleotide variant.
Coding change: c.3611C>T on transcript NM_020987.5 (MANE Select); coding-DNA position 3611, C replaced by T.
Protein change: p.Thr1204Ile; replaces threonine 1204 with isoleucine.
Molecular consequence: missense variant.
Genome position (GRCh38, 1-based): chr10:60,086,814, G>A on the plus strand (C>T on the coding strand, the complement: ANK3 is on the minus strand). VCF-style: chr10-60086814-G-A. GRCh37 (hg19) VCF-style: chr10-61846572-G-A.
Other names: c.1013C>T, p.Thr338Ile (NM_001149.4); c.3593C>T, p.Thr1198Ile (NM_001204403.2); c.3614C>T, p.Thr1205Ile (NM_001204404.2); c.3611C>T, p.Thr1204Ile (NM_001320874.2); short protein forms T1198I, T1204I, T1205I, T338I.
Identifiers: ClinVar variation 4687020 (VCV004687020.1).